The following is an entry in ClinVar:

NM_020975.6(RET):c.394C>A (p.Leu132Ile)

Gene: RET (ret proto-oncogene; plus strand). Cytogenetic location: 10q11.21.
Variant type: single nucleotide variant.
Coding change: c.394C>A on transcript NM_020975.6 (MANE Select); coding-DNA position 394, C replaced by A.
Protein change: p.Leu132Ile; replaces leucine 132 with isoleucine.
Molecular consequence: missense variant.
Genome position (GRCh38, 1-based): chr10:43,102,398, C>A. VCF-style: chr10-43102398-C-A. GRCh37 (hg19) VCF-style: chr10-43597846-C-A.
Other names: c.394C>A, p.Leu132Ile (NM_000323.2, NM_001406743.1, NM_001406744.1 and 16 more transcripts); short protein forms L132I.
Identifiers: ClinVar variation 486339 (VCV000486339.16), dbSNP rs1554817540, ClinGen allele CA376770728.

ClinVar aggregate classification (germline): Conflicting classifications of pathogenicity. Review status: criteria provided, conflicting classifications (1 of 4 stars). 2 submissions from 2 submitters: Uncertain significance (1); Likely benign (1). Last evaluated 2025-06-05.

Conditions:
Multiple endocrine neoplasia, type 2 (MEN2). Identifiers: Orphanet 653, MedGen C4048306, MONDO:0019003. Disease mechanism: gain of function.
Hereditary cancer-predisposing syndrome. Also called: Tumor predisposition; Hereditary Cancer Syndrome; Hereditary neoplastic syndrome; Neoplastic Syndromes, Hereditary. Identifiers: Orphanet 140162, MedGen C0027672, MeSH D009386, MONDO:0015356.

gnomAD v4.1: 2 of 1,614,284 alleles (0.00012%); highest among the groups gnomAD compares: Non-Finnish European, 0.000085%; no homozygotes.

Submissions (2):

Ambry Genetics
Classification: Likely benign for Hereditary cancer-predisposing syndrome. Last evaluated: 2025-06-05. Review status: criteria provided, single submitter. Criteria: Ambry Variant Classification Scheme 2023. Collection method: clinical testing. Allele origin: germline.

Labcorp Genetics (formerly Invitae), Labcorp
Classification: Uncertain significance for Multiple endocrine neoplasia, type 2. Last evaluated: 2024-08-01. Review status: criteria provided, single submitter. Criteria: Invitae Variant Classification Sherloc (09022015). Collection method: clinical testing. Allele origin: germline.
Comment: This sequence change replaces leucine, which is neutral and non-polar, with isoleucine, which is neutral and non-polar, at codon 132 of the RET protein (p.Leu132Ile). This variant is not present in population databases (gnomAD no frequency). This variant has not been reported in the literature in individuals affected with RET-related conditions. ClinVar contains an entry for this variant (Variation ID: 486339). An algorithm developed to predict the effect of missense changes on protein structure and function (PolyPhen-2) suggests that this variant is likely to be tolerated. In summary, the available evidence is currently insufficient to determine the role of this variant in disease. Therefore, it has been classified as a Variant of Uncertain Significance.